The following is an entry in ClinVar:

NM_003052.5(SLC34A1):c.1878C>T (p.Pro626=)

Gene: SLC34A1 (solute carrier family 34 member 1; plus strand). Cytogenetic location: 5q35.3.
Variant type: single nucleotide variant.
Coding change: c.1878C>T on transcript NM_003052.5 (MANE Select); coding-DNA position 1878, C replaced by T.
Protein change: p.Pro626=; no amino-acid change (proline 626 retained).
Molecular consequence: synonymous variant.
Genome position (GRCh38, 1-based): chr5:177,398,244, C>T. VCF-style: chr5-177398244-C-T. GRCh37 (hg19) VCF-style: chr5-176825245-C-T.
Identifiers: ClinVar variation 4985007 (VCV004985007.1).

ClinVar aggregate classification (germline): Likely benign (1 of 4 stars; one submission).

Conditions:
SLC34A1-related disorder. Also called: SLC34A1-related condition; SLC34A1-related disorders.

gnomAD v4.1: 23 of 1,599,944 alleles (0.0014%); highest among the groups gnomAD compares: East Asian, 0.033%; no homozygotes.

Submission:

PreventionGenetics, part of Exact Sciences
Classification: Likely benign for SLC34A1-related condition. Last evaluated: 2026-04-21. Review status: criteria provided, single submitter. Criteria: ACMG Guidelines, 2015. Collection method: clinical testing. Allele origin: germline.
Comment: This variant is classified as likely benign based on ACMG/AMP sequence variant interpretation guidelines (Richards et al. 2015 PMID: 25741868, with internal and published modifications).